The following is an entry in ClinVar:

ClinVar aggregate classification (germline): Pathogenic/Likely pathogenic. Review status: criteria provided, multiple submitters, no conflicts (2 of 4 stars). 4 submissions from 4 submitters: Pathogenic (3); Likely pathogenic (1). Last evaluated 2023-08-25.

Conditions:
Hereditary cancer-predisposing syndrome. Also called: Hereditary neoplastic syndrome; Tumor predisposition; Neoplastic Syndromes, Hereditary; Hereditary Cancer Syndrome. Identifiers: Orphanet 140162, MedGen C0027672, MeSH D009386, MONDO:0015356.
Lynch syndrome 5 (LYNCH5). Also called: Hereditary non-polyposis colorectal cancer, type 5; Colorectal cancer, hereditary nonpolyposis, type 5. Identifiers: Orphanet 144, MedGen C1833477, MONDO:0013710, OMIM 614350. Disease mechanism: loss of function.
Endometrial carcinoma. Also called: Endometrial carcinoma, somatic. Identifiers: MedGen C0476089, MONDO:0002447, OMIM 608089, HP:0012114.

Submissions (4):

Myriad Genetics, Inc.
Classification: Pathogenic for Lynch syndrome 5. Last evaluated: 2023-08-25. Review status: criteria provided, single submitter. Criteria: Myriad Autosomal Dominant, Autosomal Recessive and X-Linked Classification Criteria (2023). Collection method: clinical testing. Allele origin: unknown.
Comment: This variant is considered pathogenic. This variant creates a frameshift predicted to result in premature protein truncation.

Baylor Genetics
Classification: Likely pathogenic for Endometrial carcinoma. Last evaluated: 2022-10-26. Review status: criteria provided, single submitter. Criteria: ACMG Guidelines, 2015. Collection method: clinical testing. Allele origin: unknown.

Ambry Genetics
Classification: Pathogenic for Hereditary cancer-predisposing syndrome. Last evaluated: 2021-10-26. Review status: criteria provided, single submitter. Criteria: Ambry Variant Classification Scheme 2023. Collection method: clinical testing. Allele origin: germline.
Comment: The c.3849delT pathogenic mutation, located in coding exon 9 of the MSH6 gene, results from a deletion of one nucleotide at nucleotide position 3849, causing a translational frameshift with a predicted alternate stop codon (p.T1284Rfs*43). This alteration occurs at the 3' terminus of theMSH6 gene, is not expected to trigger nonsense-mediated mRNA decay, and only impacts the last 77 amino acids of the protein. However, premature stop codons are typically deleterious in nature and the impacted region is critical for protein function (Ambry internal data). This variant is considered to be rare based on population cohorts in the Genome Aggregation Database (gnomAD). Based on the supporting evidence, this alteration is interpreted as a disease-causing mutation.

GeneDx
Classification: Pathogenic. Last evaluated: 2015-06-25. Review status: criteria provided, single submitter. Criteria: GeneDx Variant Classification (06012015). Collection method: clinical testing. Allele origin: germline. Affected: yes.
Comment: This deletion of one nucleotide in MSH6 is denoted c.3849delT at the cDNA level and p.Thr1284ArgfsX43 (T1284RfsX43) at the protein level. The normal sequence, with the base that is deleted in braces, is CTAT[T]ACGT. The deletion causes a frameshift, which changes a Threonine to an Arginine at codon 1284, and creates a premature stop codon at position 43 of the new reading frame. Although this variant has not, to our knowledge, been reported in the literature, it is predicted to cause loss of normal protein function through either protein truncation or nonsense-mediated mRNA decay. we consider this variant to be pathogenic.

NM_000179.3(MSH6):c.3849del (p.Thr1284fs)

Gene: MSH6 (mutS homolog 6; plus strand). Cytogenetic location: 2p16.3.
Variant type: Deletion.
Coding change: c.3849del on transcript NM_000179.3 (MANE Select); coding-DNA position 3849, one base deleted (T; older notation c.3849delT).
Protein change: p.Thr1284fs; shifts the reading frame from threonine 1284.
Molecular consequence: frameshift variant.
Genome position (GRCh38, 1-based): chr2:47,806,499, T deleted; the last of 2 consecutive T bases (chr2:47,806,498-47,806,499); deleting either gives the same sequence. VCF-style (leftmost placement, unchanged base first): chr2-47806497-AT-A. GRCh37 (hg19) VCF-style: chr2-48033636-AT-A.
Other names: c.3459del, p.Thr1154fs (NM_001281492.2); c.2943del, p.Thr982fs (NM_001281493.2, NM_001281494.2); c.3849delT (NM_000179.2); short protein forms T1284fs, T982fs, T1154fs.
Identifiers: ClinVar variation 419304 (VCV000419304.6), dbSNP rs1064793781, ClinGen allele CA16617712.